The following is an entry in ClinVar:

ClinVar aggregate classification (germline): Pathogenic/Likely pathogenic. Review status: criteria provided, multiple submitters, no conflicts (2 of 4 stars). 2 submissions from 2 submitters: Pathogenic (1); Likely pathogenic (1). Last evaluated 2024-04-16.

Conditions:
X-linked Alport syndrome (ATS1). Also called: COL4A5-Related Nephropathy; NEPHROPATHY AND DEAFNESS, X-LINKED. Identifiers: Orphanet 63, Orphanet 88917, MedGen C4746986, MONDO:0010520, OMIM 301050.

Submissions (2):

Labcorp Genetics (formerly Invitae), Labcorp
Classification: Pathogenic. Last evaluated: 2024-04-16. Review status: criteria provided, single submitter. Criteria: Invitae Variant Classification Sherloc (09022015). Collection method: clinical testing. Allele origin: germline.
Comment: This sequence change creates a premature translational stop signal (p.Trp20*) in the COL4A5 gene. It is expected to result in an absent or disrupted protein product. Loss-of-function variants in COL4A5 are known to be pathogenic (PMID: 9195222, 10752524, 14514738, 24854265, 26809805). This variant is not present in population databases (gnomAD no frequency). This variant has not been reported in the literature in individuals affected with COL4A5-related conditions. ClinVar contains an entry for this variant (Variation ID: 2626949). For these reasons, this variant has been classified as Pathogenic.

Greenwood Genetic Center Diagnostic Laboratories, Greenwood Genetic Center
Classification: Likely pathogenic for X-linked Alport syndrome. Last evaluated: 2023-09-18. Review status: criteria provided, single submitter. Criteria: ACMG Guidelines, 2015. Collection method: clinical testing. Allele origin: germline. Affected: yes.
Comment: PVS1, PM2

Literature cited by the submitters: PubMed 9195222 (cited by Labcorp Genetics (formerly Invitae), Labcorp); PubMed 10752524 (cited by Labcorp Genetics (formerly Invitae), Labcorp); PubMed 14514738 (cited by Labcorp Genetics (formerly Invitae), Labcorp); PubMed 24854265 (cited by Labcorp Genetics (formerly Invitae), Labcorp); PubMed 26809805 (cited by Labcorp Genetics (formerly Invitae), Labcorp).

NM_033380.3(COL4A5):c.60G>A (p.Trp20Ter)

Gene: COL4A5 (collagen type IV alpha 5 chain; plus strand). Cytogenetic location: Xq22.3.
Variant type: single nucleotide variant.
Coding change: c.60G>A on transcript NM_033380.3 (MANE Select); coding-DNA position 60, G replaced by A.
Protein change: p.Trp20Ter; replaces tryptophan 20 with a stop codon.
Molecular consequence: nonsense.
Genome position (GRCh38, 1-based): chrX:108,440,185, G>A. VCF-style: chrX-108440185-G-A. GRCh37 (hg19) VCF-style: chrX-107683415-G-A.
Other names: c.60G>A, p.Trp20Ter (NM_000495.5); short protein forms W20*.
Identifiers: ClinVar variation 2626949 (VCV002626949.3), dbSNP rs2523833248, ClinGen allele CA413905987.